The following is an entry in ClinVar:

NM_001034853.2(RPGR):c.3404C>T (p.Ser1135Leu)

Gene: RPGR (retinitis pigmentosa GTPase regulator; minus strand). Cytogenetic location: Xp11.4.
Variant type: single nucleotide variant.
Coding change: c.3404C>T on transcript NM_001034853.2 (MANE Select); coding-DNA position 3404, C replaced by T.
Protein change: p.Ser1135Leu; replaces serine 1135 with leucine.
Molecular consequence: missense variant. On other transcripts: intron variant (8).
Genome position (GRCh38, 1-based): chrX:38,285,595, G>A on the plus strand (C>T on the coding strand, the complement: RPGR is on the minus strand). VCF-style: chrX-38285595-G-A. GRCh37 (hg19) VCF-style: chrX-38144848-G-A.
Other names: c.1569+5364C>T (NM_001367249.1, NM_001367250.1); c.1902+1499C>T (NM_001367245.1); c.1386+5364C>T (NM_001367251.1); c.1719+1499C>T (NM_001367246.1); c.1572+5364C>T (NM_001367247.1); c.1905+1499C>T (NM_000328.3); c.1602+5364C>T (NM_001367248.1); short protein forms S1135L.
Identifiers: ClinVar variation 4765569 (VCV004765569.1).

ClinVar aggregate classification (germline): Uncertain significance (1 of 4 stars; one submission).

Conditions:
Primary ciliary dyskinesia. Also called: Ciliary dyskinesia. Identifiers: Orphanet 244, MedGen C0008780, MONDO:0016575, HP:0012265.

gnomAD v4.1: 2 of 1,211,508 alleles (0.00017%); highest among the groups gnomAD compares: African/African-American, 0.0017%; no homozygotes.

Submission:

Labcorp Genetics (formerly Invitae), Labcorp
Classification: Uncertain significance for Primary ciliary dyskinesia. Last evaluated: 2025-04-26. Review status: criteria provided, single submitter. Criteria: Invitae Variant Classification Sherloc (09022015). Collection method: clinical testing. Allele origin: germline.
Comment: This sequence change replaces serine, which is neutral and polar, with leucine, which is neutral and non-polar, at codon 1135 of the RPGR (ORF15) protein (p.Ser1135Leu). This variant is present in population databases (no rsID available, gnomAD 0.001%). This variant has not been reported in the literature in individuals affected with RPGR (ORF15)-related conditions. Invitae Evidence Modeling of protein sequence and biophysical properties (such as structural, functional, and spatial information, amino acid conservation, physicochemical variation, residue mobility, and thermodynamic stability) indicates that this missense variant is not expected to disrupt RPGR (ORF15) protein function with a negative predictive value of 95%. In summary, the available evidence is currently insufficient to determine the role of this variant in disease. Therefore, it has been classified as a Variant of Uncertain Significance.